The following is an entry in ClinVar:

ClinVar aggregate classification (germline): Benign (1 of 4 stars; one submission).

Conditions:
Papillary renal cell carcinoma type 1 (RCCP1). Also called: Renal adenocarcinoma; Renal cell carcinoma 1; Renal cell carcinoma, somatic; RENAL CELL CARCINOMA, PAPILLARY, 1, SOMATIC. Identifiers: Orphanet 47044, MedGen C1336839, OMIM 605074, HP:0011797.

Submission:

Myriad Genetics, Inc.
Classification: Benign for Papillary renal cell carcinoma type 1. Last evaluated: 2024-11-12. Review status: criteria provided, single submitter. Criteria: Myriad Autosomal Dominant, Autosomal Recessive and X-Linked Classification Criteria (2023). Collection method: clinical testing. Allele origin: unknown.
Comment: This variant is considered benign. This variant is a silent/synonymous amino acid change and it is not expected to impact splicing.

NM_000245.4(MET):c.2601T>C (p.Pro867=)

Gene: MET (MET proto-oncogene, receptor tyrosine kinase; plus strand). Cytogenetic location: 7q31.2.
Variant type: single nucleotide variant.
Coding change: c.2601T>C on transcript NM_000245.4 (MANE Select); coding-DNA position 2601, T replaced by C.
Protein change: p.Pro867=; no amino-acid change (proline 867 retained).
Molecular consequence: synonymous variant.
Genome position (GRCh38, 1-based): chr7:116,769,662, T>C. VCF-style: chr7-116769662-T-C. GRCh37 (hg19) VCF-style: chr7-116409716-T-C.
Other names: c.2655T>C, p.Pro885= (NM_001127500.3); c.2601T>C, p.Pro867= (NM_001324401.3); c.1311T>C, p.Pro437= (NM_001324402.2).
Identifiers: ClinVar variation 3773035 (VCV003773035.1).